The following is an entry in ClinVar:

ClinVar aggregate classification (germline): Pathogenic/Likely pathogenic. Review status: criteria provided, multiple submitters, no conflicts (2 of 4 stars). 3 submissions from 3 submitters: Pathogenic (2); Likely pathogenic (1). Last evaluated 2025-02-26.

Conditions:
Mucolipidosis type II. Also called: ML II ALPHA/BETA; Mucolipidosis II Alpha/Beta; Mucolipidosis 2; ML 2; Inclusion cell disease; Leroy Disease. Identifiers: Orphanet 576, MedGen C2673377, MONDO:0009650, OMIM 252500.
GNPTAB-mucolipidosis. Also called: UDP-N-acetylglucosamine-1-phosphotransferase subunit alpha/beta deficiency. Identifiers: MedGen CN322573, MONDO:0100122.
Pseudo-Hurler polydystrophy. Also called: ML III; ML III ALPHA/BETA; MUCOLIPIDOSIS IIIA; Type III Mucolipidosis; ML IIIA; Mucolipidosis III Alpha/Beta. Identifiers: Orphanet 423461, Orphanet 577, MedGen C0033788, MONDO:0018931, OMIM 252600.

Submissions (3):

Myriad Genetics, Inc.
Classification: Pathogenic for GNPTAB-mucolipidosis. Last evaluated: 2025-02-26. Review status: criteria provided, single submitter. Criteria: Myriad Autosomal Dominant, Autosomal Recessive and X-Linked Classification Criteria (2023). Collection method: clinical testing. Allele origin: unknown.
Comment: NM_024312.4(GNPTAB):c.2455delG(E819Kfs*8) is expected to be pathogenic in the context of GNPTAB-related disorders. This variant is predicted to lead to an abnormal or absent protein product due to the creation of a premature termination codon in GNPTAB, a gene where loss-of-function variants are known to be pathogenic. Please note: this variant was assessed in the context of healthy population screening.

Natera, Inc.
Classification: Likely pathogenic for Mucolipidosis type II. Last evaluated: 2025-02-10. Review status: criteria provided, single submitter. Criteria: Natera Variant Classification Schema (03/2026). Collection method: clinical testing. Allele origin: germline.
Comment: The c.2455del variant in GNPTAB is a frameshift variant predicted to shift the reading frame beginning at codon 819 and leads to a stop codon 8 codons downstream. This variant is expected to result in nonsense mediated decay, truncation, or a dysfunctional protein product. This variant is rare in the general population with a frequency below the threshold expected for the associated phenotype(s). Given the available evidence, this variant is classified as Likely Pathogenic.

Labcorp Genetics (formerly Invitae), Labcorp
Classification: Pathogenic for Pseudo-Hurler polydystrophy; Mucolipidosis type II. Last evaluated: 2023-04-06. Review status: criteria provided, single submitter. Criteria: Invitae Variant Classification Sherloc (09022015). Collection method: clinical testing. Allele origin: germline.
Comment: This sequence change creates a premature translational stop signal (p.Glu819Lysfs*8) in the GNPTAB gene. It is expected to result in an absent or disrupted protein product. Loss-of-function variants in GNPTAB are known to be pathogenic (PMID: 19617216, 25107912). For these reasons, this variant has been classified as Pathogenic. ClinVar contains an entry for this variant (Variation ID: 642316). This variant has not been reported in the literature in individuals affected with GNPTAB-related conditions. This variant is not present in population databases (gnomAD no frequency).

Literature cited by the submitters: PubMed 19617216 (cited by Labcorp Genetics (formerly Invitae), Labcorp); PubMed 25107912 (cited by Labcorp Genetics (formerly Invitae), Labcorp).

NM_024312.5(GNPTAB):c.2455del (p.Glu819fs)

Gene: GNPTAB (N-acetylglucosamine-1-phosphate transferase subunits alpha and beta; minus strand). Cytogenetic location: 12q23.2.
Variant type: Deletion.
Coding change: c.2455del on transcript NM_024312.5 (MANE Select); coding-DNA position 2455, one base deleted (G; older notation c.2455delG).
Protein change: p.Glu819fs; shifts the reading frame from glutamic acid 819.
Molecular consequence: frameshift variant.
Genome position (GRCh38, 1-based): chr12:101,764,462, C deleted on the plus strand (G on the coding strand, the reverse complement: GNPTAB is on the minus strand); the first of 2 consecutive C bases (chr12:101,764,462-101,764,463); deleting either gives the same sequence. VCF-style (leftmost placement, unchanged base first): chr12-101764461-TC-T. GRCh37 (hg19) VCF-style: chr12-102158239-TC-T.
Other names: c.2455delG (NM_024312.4); c.2455del (NM_024312.4); short protein forms E819fs.
Identifiers: ClinVar variation 642316 (VCV000642316.9), dbSNP rs1594213713, ClinGen allele CA915946678.